The following is an entry in ClinVar:

ClinVar aggregate classification (germline): Uncertain significance (1 of 4 stars; one submission).

Submission:

Labcorp Genetics (formerly Invitae), Labcorp
Classification: Uncertain significance. Last evaluated: 2025-10-01. Review status: criteria provided, single submitter. Criteria: Invitae Variant Classification Sherloc (09022015). Collection method: clinical testing. Allele origin: germline.
Comment: This sequence change replaces asparagine, which is neutral and polar, with aspartic acid, which is acidic and polar, at codon 999 of the SCN3A protein (p.Asn999Asp). This variant is not present in population databases (gnomAD no frequency). This variant has not been reported in the literature in individuals affected with SCN3A-related conditions. ClinVar contains an entry for this variant (Variation ID: 2079948). Invitae Evidence Modeling of protein sequence and biophysical properties (such as structural, functional, and spatial information, amino acid conservation, physicochemical variation, residue mobility, and thermodynamic stability) indicates that this missense variant is not expected to disrupt SCN3A protein function with a negative predictive value of 95%. In summary, the available evidence is currently insufficient to determine the role of this variant in disease. Therefore, it has been classified as a Variant of Uncertain Significance.

NM_006922.4(SCN3A):c.2995A>G (p.Asn999Asp)

Gene: SCN3A (sodium voltage-gated channel alpha subunit 3; minus strand). Cytogenetic location: 2q24.3.
Variant type: single nucleotide variant.
Coding change: c.2995A>G on transcript NM_006922.4 (MANE Select); coding-DNA position 2995, A replaced by G.
Protein change: p.Asn999Asp; replaces asparagine 999 with aspartic acid.
Molecular consequence: missense variant.
Genome position (GRCh38, 1-based): chr2:165,128,029, T>C on the plus strand (A>G on the coding strand, the complement: SCN3A is on the minus strand). VCF-style: chr2-165128029-T-C. GRCh37 (hg19) VCF-style: chr2-165984539-T-C.
Other names: c.2848A>G, p.Asn950Asp (NM_001081676.2, NM_001081677.2); short protein forms N950D, N999D.
Identifiers: ClinVar variation 2079948 (VCV002079948.4), dbSNP rs1687097922, ClinGen allele CA349041520.